The following is an entry in ClinVar:

ClinVar aggregate classification (germline): Uncertain significance (1 of 4 stars; one submission).

Conditions:
LAMA2-related muscular dystrophy (LAMA2-RD). Also called: Laminin alpha 2-related dystrophy. Identifiers: MedGen C5679788, MONDO:0100228.

Submission:

Labcorp Genetics (formerly Invitae), Labcorp
Classification: Uncertain significance for LAMA2-related muscular dystrophy. Last evaluated: 2022-02-20. Review status: criteria provided, single submitter. Criteria: Invitae Variant Classification Sherloc (09022015). Collection method: clinical testing. Allele origin: germline.
Comment: Algorithms developed to predict the effect of missense changes on protein structure and function are either unavailable or do not agree on the potential impact of this missense change (SIFT: "Deleterious"; PolyPhen-2: "Probably Damaging"; Align-GVGD: "Class C0"). In summary, the available evidence is currently insufficient to determine the role of this variant in disease. Therefore, it has been classified as a Variant of Uncertain Significance. This variant has not been reported in the literature in individuals affected with LAMA2-related conditions. This variant is not present in population databases (gnomAD no frequency). This sequence change replaces histidine, which is basic and polar, with arginine, which is basic and polar, at codon 2624 of the LAMA2 protein (p.His2624Arg).

NM_000426.4(LAMA2):c.7871A>G (p.His2624Arg)

Gene: LAMA2 (laminin subunit alpha 2; plus strand). Cytogenetic location: 6q22.33.
Variant type: single nucleotide variant.
Coding change: c.7871A>G on transcript NM_000426.4 (MANE Select); coding-DNA position 7871, A replaced by G.
Protein change: p.His2624Arg; replaces histidine 2624 with arginine.
Molecular consequence: missense variant.
Genome position (GRCh38, 1-based): chr6:129,486,595, A>G. VCF-style: chr6-129486595-A-G. GRCh37 (hg19) VCF-style: chr6-129807740-A-G.
Other names: c.7859A>G, p.His2620Arg (NM_001079823.2); short protein forms H2624R, H2620R.
Identifiers: ClinVar variation 1971885 (VCV001971885.5), dbSNP rs2533490931, ClinGen allele CA365629454.
Genomic context (GRCh38, chr6:129,486,595, plus strand): 5'-GAACAATGAGGAAAATTGTGATCAGACCAGAGCCGAATCTGTTTCATGATGGAAGAGAAC[A>G]TTCCGTTCATGTAGAGCGAACTAGAGGGTAACAATAGCACTAAAATATTTATTATTGTAA-3'
Protein context (NP_000417.3, residues 2614-2634): EPNLFHDGRE[His2624Arg]SVHVERTRGI